The following is an entry in ClinVar:

NM_173546.3(KLHDC8B):c.465G>A (p.Trp155Ter)

Gene: KLHDC8B (kelch domain containing 8B; plus strand). Cytogenetic location: 3p21.31.
Variant type: single nucleotide variant.
Coding change: c.465G>A on transcript NM_173546.3 (MANE Select); coding-DNA position 465, G replaced by A.
Protein change: p.Trp155Ter; replaces tryptophan 155 with a stop codon.
Molecular consequence: nonsense.
Genome position (GRCh38, 1-based): chr3:49,174,327, G>A. VCF-style: chr3-49174327-G-A. GRCh37 (hg19) VCF-style: chr3-49211760-G-A.
Other names: short protein forms W155*.
Identifiers: ClinVar variation 2996796 (VCV002996796.3), dbSNP rs2470620180, ClinGen allele CA352776677.

ClinVar aggregate classification (germline): Uncertain significance (1 of 4 stars; one submission).

Submission:

Labcorp Genetics (formerly Invitae), Labcorp
Classification: Uncertain significance. Last evaluated: 2024-10-29. Review status: criteria provided, single submitter. Criteria: Invitae Variant Classification Sherloc (09022015). Collection method: clinical testing. Allele origin: germline.
Comment: This sequence change creates a premature translational stop signal (p.Trp155*) in the KLHDC8B gene. It is expected to result in an absent or disrupted protein product. However, the current clinical and genetic evidence is not sufficient to establish whether loss-of-function variants in KLHDC8B cause disease. This variant is not present in population databases (gnomAD no frequency). This variant has not been reported in the literature in individuals affected with KLHDC8B-related conditions. In summary, the available evidence is currently insufficient to determine the role of this variant in disease. Therefore, it has been classified as a Variant of Uncertain Significance.